The following is an entry in ClinVar:

ClinVar aggregate classification (germline): Uncertain significance. Review status: criteria provided, multiple submitters, no conflicts (2 of 4 stars). 2 submissions from 2 submitters: Uncertain significance (2). Last evaluated 2024-10-09.

Conditions:
Rhabdoid tumor predisposition syndrome 2 (RTPS2). Identifiers: Orphanet 231108, Orphanet 69077, MedGen C2750074, MONDO:0013224, OMIM 613325.
Hereditary cancer-predisposing syndrome. Also called: Tumor predisposition; Hereditary neoplastic syndrome; Neoplastic Syndromes, Hereditary; Hereditary Cancer Syndrome. Identifiers: Orphanet 140162, MedGen C0027672, MeSH D009386, MONDO:0015356.

Submissions (2):

Labcorp Genetics (formerly Invitae), Labcorp
Classification: Uncertain significance for Rhabdoid tumor predisposition syndrome 2. Last evaluated: 2024-10-09. Review status: criteria provided, single submitter. Criteria: Invitae Variant Classification Sherloc (09022015). Collection method: clinical testing. Allele origin: germline.
Comment: This sequence change replaces leucine, which is neutral and non-polar, with valine, which is neutral and non-polar, at codon 724 of the SMARCA4 protein (p.Leu724Val). This variant is not present in population databases (gnomAD no frequency). This variant has not been reported in the literature in individuals affected with SMARCA4-related conditions. ClinVar contains an entry for this variant (Variation ID: 1007954). Invitae Evidence Modeling of protein sequence and biophysical properties (such as structural, functional, and spatial information, amino acid conservation, physicochemical variation, residue mobility, and thermodynamic stability) indicates that this missense variant is not expected to disrupt SMARCA4 protein function with a negative predictive value of 95%. In summary, the available evidence is currently insufficient to determine the role of this variant in disease. Therefore, it has been classified as a Variant of Uncertain Significance.

Ambry Genetics
Classification: Uncertain significance for Hereditary cancer-predisposing syndrome. Last evaluated: 2023-11-28. Review status: criteria provided, single submitter. Criteria: Ambry Variant Classification Scheme 2023. Collection method: clinical testing. Allele origin: germline.
Comment: The p.L724V variant (also known as c.2170C>G), located in coding exon 14 of the SMARCA4 gene, results from a C to G substitution at nucleotide position 2170. The leucine at codon 724 is replaced by valine, an amino acid with highly similar properties. This amino acid position is not well conserved in available vertebrate species. In addition, this alteration is predicted to be tolerated by in silico analysis. Since supporting evidence is limited at this time, the clinical significance of this alteration remains unclear.

NM_003072.5(SMARCA4):c.2170C>G (p.Leu724Val)

Gene: SMARCA4 (SWI/SNF related BAF chromatin remodeling complex subunit ATPase 4; plus strand). Cytogenetic location: 19p13.2.
Variant type: single nucleotide variant.
Coding change: c.2170C>G on transcript NM_003072.5 (MANE Select); coding-DNA position 2170, C replaced by G.
Protein change: p.Leu724Val; replaces leucine 724 with valine.
Molecular consequence: missense variant. On other transcripts: non-coding transcript variant (1).
Genome position (GRCh38, 1-based): chr19:11,010,427, C>G. VCF-style: chr19-11010427-C-G. GRCh37 (hg19) VCF-style: chr19-11121103-C-G.
Other names: c.2170C>G, p.Leu724Val (NM_001128847.4, NM_001128848.2, NM_001128849.3 and 4 more transcripts); c.2170C>G (NM_001128849.1); short protein forms L724V.
Identifiers: ClinVar variation 1007954 (VCV001007954.9), dbSNP rs2088715054, ClinGen allele CA404052754.